The following is an entry in ClinVar:

ClinVar aggregate classification (germline): Likely benign (0 of 4 stars; one submission).

Conditions:
KRT16-related disorder. Also called: KRT16-related condition.

Allele frequency attached by ClinVar (database versions not stated): gnomAD 0.00013; ExAC 0.00019; 1000 Genomes Project 30x 0.00031.
gnomAD v4.1: 160 of 1,603,754 alleles (0.01%); highest among the groups gnomAD compares: Admixed American, 0.06%; no homozygotes.

Submission:

PreventionGenetics, part of Exact Sciences
Classification: Likely benign for KRT16-related condition. Last evaluated: 2019-10-28. Review status: no assertion criteria provided. Collection method: clinical testing. Allele origin: germline.
Comment: This variant is classified as likely benign based on ACMG/AMP sequence variant interpretation guidelines (Richards et al. 2015 PMID: 25741868, with internal and published modifications).

NM_005557.4(KRT16):c.186C>T (p.Cys62=)

Gene: KRT16 (keratin 16; minus strand). Cytogenetic location: 17q21.2.
Variant type: single nucleotide variant.
Coding change: c.186C>T on transcript NM_005557.4 (MANE Select); coding-DNA position 186, C replaced by T.
Protein change: p.Cys62=; no amino-acid change (cysteine 62 retained).
Molecular consequence: synonymous variant.
Genome position (GRCh38, 1-based): chr17:41,612,503, G>A on the plus strand (C>T on the coding strand, the complement: KRT16 is on the minus strand). VCF-style: chr17-41612503-G-A. GRCh37 (hg19) VCF-style: chr17-39768755-G-A.
Identifiers: ClinVar variation 3039742 (VCV003039742.2), dbSNP rs200450332, ClinGen allele CA8563325.